The following is an entry in ClinVar:

NM_002582.4(PARN):c.494A>G (p.Asn165Ser)

Gene: PARN (poly(A)-specific ribonuclease; minus strand). Cytogenetic location: 16p13.12.
Variant type: single nucleotide variant.
Coding change: c.494A>G on transcript NM_002582.4 (MANE Select); coding-DNA position 494, A replaced by G.
Protein change: p.Asn165Ser; replaces asparagine 165 with serine.
Molecular consequence: missense variant.
Genome position (GRCh38, 1-based): chr16:14,610,704, T>C on the plus strand (A>G on the coding strand, the complement: PARN is on the minus strand). VCF-style: chr16-14610704-T-C. GRCh37 (hg19) VCF-style: chr16-14704561-T-C.
Other names: c.494A>G (NM_002582.3); c.311A>G, p.Asn104Ser (NM_001134477.3); c.356A>G, p.Asn119Ser (NM_001242992.2); short protein forms N119S, N104S, N165S.
Identifiers: ClinVar variation 1430234 (VCV001430234.8), dbSNP rs775164255, ClinGen allele CA7912403.
Genomic context (GRCh38, chr16:14,610,704, plus strand): 5'-ACCACTTGGTCAATAAACTTCTTTTGATCCTCAGGAATCGTGACAGGACATTTTGAAGTG[T>C]TAGGAGATACATAGGACAGAGCTCCTGCACCATTCGCCTGTGAACGTTTTTCATCATACT-3'
Protein context (NP_002573.1, residues 155-175): GAGALSYVSP[Asn165Ser]TSKCPVTIPE

ClinVar aggregate classification (germline): Uncertain significance. Review status: criteria provided, multiple submitters, no conflicts (2 of 4 stars). 2 submissions from 2 submitters: Uncertain significance (2). Last evaluated 2024-08-30.

Conditions:
Dyskeratosis congenita, autosomal recessive 6 (DKCB6). Identifiers: MedGen C4225356, MONDO:0014600, OMIM 616353.
Pulmonary fibrosis and/or bone marrow failure, Telomere-related, 4. Also called: PULMONARY FIBROSIS AND/OR BONE MARROW FAILURE SYNDROME, TELOMERE-RELATED, 4. Identifiers: Orphanet 2032, MedGen C4225347, MONDO:0014612, OMIM 616371.
Inborn genetic diseases. Identifiers: MedGen C0950123, MeSH D030342.

Allele frequency attached by ClinVar (database versions not stated): gnomAD exomes 0.00001; TOPMed 0.00001; ExAC 0.00002.
gnomAD v4.1: 10 of 1,609,274 alleles (0.00062%); highest among the groups gnomAD compares: Non-Finnish European, 0.00077%; no homozygotes.

Submissions (2):

Labcorp Genetics (formerly Invitae), Labcorp
Classification: Uncertain significance for Dyskeratosis congenita, autosomal recessive 6; Pulmonary fibrosis and/or bone marrow failure, Telomere-related, 4. Last evaluated: 2024-08-30. Review status: criteria provided, single submitter. Criteria: Invitae Variant Classification Sherloc (09022015). Collection method: clinical testing. Allele origin: germline.
Comment: This sequence change replaces asparagine, which is neutral and polar, with serine, which is neutral and polar, at codon 165 of the PARN protein (p.Asn165Ser). This variant is present in population databases (rs775164255, gnomAD 0.002%). This variant has not been reported in the literature in individuals affected with PARN-related conditions. ClinVar contains an entry for this variant (Variation ID: 1430234). An algorithm developed to predict the effect of missense changes on protein structure and function (PolyPhen-2) suggests that this variant is likely to be tolerated. In summary, the available evidence is currently insufficient to determine the role of this variant in disease. Therefore, it has been classified as a Variant of Uncertain Significance.

Ambry Genetics
Classification: Uncertain significance for Inborn genetic diseases. Last evaluated: 2023-04-06. Review status: criteria provided, single submitter. Criteria: Ambry Variant Classification Scheme 2023. Collection method: clinical testing. Allele origin: germline.